The following is an entry in ClinVar:

NM_001374675.1(HSF4):c.1316C>T (p.Pro439Leu)

Gene: HSF4 (heat shock transcription factor 4; plus strand). Cytogenetic location: 16q22.1.
Variant type: single nucleotide variant.
Coding change: c.1316C>T on transcript NM_001374675.1 (MANE Select); coding-DNA position 1316, C replaced by T.
Protein change: p.Pro439Leu; replaces proline 439 with leucine.
Molecular consequence: missense variant.
Genome position (GRCh38, 1-based): chr16:67,169,340, C>T. VCF-style: chr16-67169340-C-T. GRCh37 (hg19) VCF-style: chr16-67203243-C-T.
Other names: c.1316C>T, p.Pro439Leu (NM_001040667.3); c.1226C>T, p.Pro409Leu (NM_001374674.1, NM_001538.4); short protein forms P439L, P409L.
Identifiers: ClinVar variation 4998458 (VCV004998458.1).

ClinVar aggregate classification (germline): Uncertain significance (1 of 4 stars; one submission).

Conditions:
HSF4-related disorder. Also called: HSF4-related condition.

Submission:

PreventionGenetics, part of Exact Sciences
Classification: Uncertain significance for HSF4-related condition. Last evaluated: 2024-12-13. Review status: criteria provided, single submitter. Criteria: ACMG Guidelines, 2015. Collection method: clinical testing. Allele origin: germline.
Comment: The HSF4 c.1226C>T variant is predicted to result in the amino acid substitution p.Pro409Leu. To our knowledge, this variant has not been reported in the literature or in a large population database (gnomAD), indicating this variant is rare. At this time, the clinical significance of this variant is uncertain due to the absence of conclusive functional and genetic evidence.